The following is an entry in ClinVar:

NM_001370259.2(MEN1):c.824+5G>C

Gene: MEN1 (menin 1; minus strand). Cytogenetic location: 11q13.1.
Variant type: single nucleotide variant.
Coding change: c.824+5G>C on transcript NM_001370259.2 (MANE Select); 5 bases into the intron after coding-DNA position 824, G replaced by C.
Molecular consequence: intron variant.
Genome position (GRCh38, 1-based): chr11:64,807,174, C>G on the plus strand (G>C on the coding strand, the complement: MEN1 is on the minus strand). VCF-style: chr11-64807174-C-G. GRCh37 (hg19) VCF-style: chr11-64574646-C-G.
Other names: c.839+5G>C (NM_130804.3, NM_130803.3, NM_000244.4 and 5 more transcripts); c.719+5G>C (NM_001407148.1, NM_001407149.1, NM_001407151.1 and 2 more transcripts); c.824+5G>C (NM_130799.3, NM_001407144.1, NM_001370260.2 and 7 more transcripts).
Identifiers: ClinVar variation 3677108 (VCV003677108.2).

ClinVar aggregate classification (germline): Uncertain significance (1 of 4 stars; one submission).

Conditions:
Multiple endocrine neoplasia, type 1 (MEN1). Also called: MEN I; WERMER SYNDROME; Endocrine adenomatosis multiple; MEN 1; MEA I. Identifiers: Orphanet 652, MedGen C0025267, MeSH D018761, MONDO:0007540, OMIM 131100.

Submission:

Labcorp Genetics (formerly Invitae), Labcorp
Classification: Uncertain significance for Multiple endocrine neoplasia, type 1. Last evaluated: 2024-08-13. Review status: criteria provided, single submitter. Criteria: Invitae Variant Classification Sherloc (09022015). Collection method: clinical testing. Allele origin: germline.
Comment: This sequence change falls in intron 5 of the MEN1 gene. It does not directly change the encoded amino acid sequence of the MEN1 protein. It affects a nucleotide within the consensus splice site. This variant is not present in population databases (gnomAD no frequency). This variant has been observed in individual(s) with clinical features of hereditary hyperparathyroidism (PMID: 32430905). Variants that disrupt the consensus splice site are a relatively common cause of aberrant splicing (PMID: 17576681, 9536098). Algorithms developed to predict the effect of sequence changes on RNA splicing suggest that this variant may disrupt the consensus splice site. In summary, the available evidence is currently insufficient to determine the role of this variant in disease. Therefore, it has been classified as a Variant of Uncertain Significance.

Literature cited by the submitters: PubMed 32430905; PubMed 17576681; PubMed 9536098.